The following is an entry in ClinVar:

NM_183374.3(CYP26C1):c.1491C>T (p.Ile497=)

Gene: CYP26C1 (cytochrome P450 family 26 subfamily C member 1; plus strand). Cytogenetic location: 10q23.33.
Variant type: single nucleotide variant.
Coding change: c.1491C>T on transcript NM_183374.3 (MANE Select); coding-DNA position 1491, C replaced by T.
Protein change: p.Ile497=; no amino-acid change (isoleucine 497 retained).
Molecular consequence: synonymous variant.
Genome position (GRCh38, 1-based): chr10:93,068,619, C>T. VCF-style: chr10-93068619-C-T. GRCh37 (hg19) VCF-style: chr10-94828376-C-T.
Identifiers: ClinVar variation 3034234 (VCV003034234.2), dbSNP rs140502479, ClinGen allele CA5605928.

ClinVar aggregate classification (germline): Likely benign (0 of 4 stars; one submission).

Conditions:
CYP26C1-related disorder. Also called: CYP26C1-related condition.

Allele frequency attached by ClinVar (database versions not stated): 1000 Genomes Project 0.00040; 1000 Genomes Project 30x 0.00047; ESP Exome Variant Server 0.00048; gnomAD 0.00090.

Submission:

PreventionGenetics, part of Exact Sciences
Classification: Likely benign for CYP26C1-related condition. Last evaluated: 2022-07-20. Review status: no assertion criteria provided. Collection method: clinical testing. Allele origin: germline.
Comment: This variant is classified as likely benign based on ACMG/AMP sequence variant interpretation guidelines (Richards et al. 2015 PMID: 25741868, with internal and published modifications).